The following is an entry in ClinVar:

ClinVar aggregate classification (germline): Uncertain significance. Review status: criteria provided, multiple submitters, no conflicts (2 of 4 stars). 2 submissions from 2 submitters: Uncertain significance (2). Last evaluated 2025-07-19.

Conditions:
Inborn genetic diseases. Identifiers: MedGen C0950123, MeSH D030342.

Allele frequency attached by ClinVar (database versions not stated): TOPMed below 0.00001; gnomAD exomes 0.00001.
gnomAD v4.1: 21 of 1,614,240 alleles (0.0013%); highest among the groups gnomAD compares: Non-Finnish European, 0.0017%; no homozygotes.

Submissions (2):

Labcorp Genetics (formerly Invitae), Labcorp
Classification: Uncertain significance. Last evaluated: 2025-07-19. Review status: criteria provided, single submitter. Criteria: Invitae Variant Classification Sherloc (09022015). Collection method: clinical testing. Allele origin: germline.
Comment: This sequence change replaces glutamic acid, which is acidic and polar, with lysine, which is basic and polar, at codon 218 of the MBD4 protein (p.Glu218Lys). This variant is present in population databases (no rsID available, gnomAD 0.0009%). This variant has not been reported in the literature in individuals affected with MBD4-related conditions. ClinVar contains an entry for this variant (Variation ID: 2712133). An algorithm developed to predict the effect of missense changes on protein structure and function outputs the following: PolyPhen-2: "Benign". The lysine amino acid residue is found in multiple mammalian species, which suggests that this missense change does not adversely affect protein function. In summary, the available evidence is currently insufficient to determine the role of this variant in disease. Therefore, it has been classified as a Variant of Uncertain Significance.

Ambry Genetics
Classification: Uncertain significance for Inborn genetic diseases. Last evaluated: 2024-11-18. Review status: criteria provided, single submitter. Criteria: Ambry Variant Classification Scheme 2023. Collection method: clinical testing. Allele origin: germline.
Comment: The p.E218K variant (also known as c.652G>A), located in coding exon 3 of the MBD4 gene, results from a G to A substitution at nucleotide position 652. The glutamic acid at codon 218 is replaced by lysine, an amino acid with similar properties. This amino acid position is conserved. In addition, this alteration is predicted to be tolerated by in silico analysis. Based on the available evidence, the clinical significance of this variant remains unclear.

NM_001276270.2(MBD4):c.652G>A (p.Glu218Lys)

Gene: MBD4 (methyl-CpG binding domain 4, DNA glycosylase; minus strand). Cytogenetic location: 3q21.3.
Variant type: single nucleotide variant.
Coding change: c.652G>A on transcript NM_001276270.2 (MANE Select); coding-DNA position 652, G replaced by A.
Protein change: p.Glu218Lys; replaces glutamic acid 218 with lysine.
Molecular consequence: missense variant. On other transcripts: intron variant (1).
Genome position (GRCh38, 1-based): chr3:129,436,992, C>T on the plus strand (G>A on the coding strand, the complement: MBD4 is on the minus strand). VCF-style: chr3-129436992-C-T. GRCh37 (hg19) VCF-style: chr3-129155835-C-T.
Other names: c.652G>A, p.Glu218Lys (NM_001276271.2, NM_001276272.2, NM_003925.3); c.247+816G>A (NM_001276273.2); short protein forms E218K.
Identifiers: ClinVar variation 2712133 (VCV002712133.4), dbSNP rs1328067921, ClinGen allele CA354467555.